The following is an entry in ClinVar:

NM_004444.5(EPHB4):c.2152G>A (p.Val718Met)

Gene: EPHB4 (EPH receptor B4; minus strand). Cytogenetic location: 7q22.1.
Variant type: single nucleotide variant.
Coding change: c.2152G>A on transcript NM_004444.5 (MANE Select); coding-DNA position 2152, G replaced by A.
Protein change: p.Val718Met; replaces valine 718 with methionine.
Molecular consequence: missense variant.
Genome position (GRCh38, 1-based): chr7:100,807,547, C>T on the plus strand (G>A on the coding strand, the complement: EPHB4 is on the minus strand). VCF-style: chr7-100807547-C-T. GRCh37 (hg19) VCF-style: chr7-100405169-C-T.
Other names: c.2152G>A (NM_004444.4); short protein forms V718M.
Identifiers: ClinVar variation 3600452 (VCV003600452.4).

ClinVar aggregate classification (germline): Uncertain significance. Review status: criteria provided, multiple submitters, no conflicts (2 of 4 stars). 3 submissions from 3 submitters: Uncertain significance (3). Last evaluated 2025-12-10.

Conditions:
Capillary malformation-arteriovenous malformation 2 (CMAVM2). Identifiers: Orphanet 693912, MedGen C4748670, MONDO:0020785, OMIM 618196.
Cardiovascular phenotype. Identifiers: MedGen CN230736.

Submissions (3):

Labcorp Genetics (formerly Invitae), Labcorp
Classification: Uncertain significance. Last evaluated: 2025-12-10. Review status: criteria provided, single submitter. Criteria: Invitae Variant Classification Sherloc (09022015). Collection method: clinical testing. Allele origin: germline.
Comment: This sequence change replaces valine, which is neutral and non-polar, with methionine, which is neutral and non-polar, at codon 718 of the EPHB4 protein (p.Val718Met). The frequency data for this variant in the population databases is considered unreliable, as metrics indicate poor data quality at this position in the gnomAD database. This variant has not been reported in the literature in individuals affected with EPHB4-related conditions. ClinVar contains an entry for this variant (Variation ID: 3600452). Invitae Evidence Modeling of protein sequence and biophysical properties (such as structural, functional, and spatial information, amino acid conservation, physicochemical variation, residue mobility, and thermodynamic stability) has been performed for this missense variant. However, the output from this modeling did not meet the statistical confidence thresholds required to predict the impact of this variant on EPHB4 protein function. In summary, the available evidence is currently insufficient to determine the role of this variant in disease. Therefore, it has been classified as a Variant of Uncertain Significance.

Ambry Genetics
Classification: Uncertain significance for Cardiovascular phenotype. Last evaluated: 2025-03-14. Review status: criteria provided, single submitter. Criteria: Ambry Variant Classification Scheme 2023. Collection method: clinical testing. Allele origin: germline.
Comment: The p.V718M variant (also known as c.2152G>A), located in coding exon 13 of the EPHB4 gene, results from a G to A substitution at nucleotide position 2152. The valine at codon 718 is replaced by methionine, an amino acid with highly similar properties. This amino acid position is conserved. In addition, this alteration is predicted to be deleterious by in silico analysis. Based on the available evidence, the clinical significance of this variant remains unclear.

Clinical Genomics Laboratory, Washington University in St. Louis
Classification: Uncertain significance for Capillary malformation-arteriovenous malformation 2. Last evaluated: 2024-11-19. Review status: criteria provided, single submitter. Criteria: ACMG Guidelines, 2015. Collection method: clinical testing. Allele origin: germline.
Comment: An EPHB4 c.2152G>A (p.Val718Met) variant was identified at a near heterozygous allelic fraction of 48.1%, a frequency which may be consistent with germline origin. This variant, to our knowledge, has not been reported in the medical literature. It is only observed on 17/1,613,940 alleles in the general population (gnomAD v.4.1.0), indicating it is not a common variant. Computational predictors indicate that the variant is damaging, evidence that correlates with impact to EPHB4 function. Due to limited information, and based on ACMG/AMP guidelines for variant interpretation (Richards S et al., PMID: 25741868), the clinical significance of this variant is uncertain at this time.